The following is an entry in ClinVar:

ClinVar aggregate classification (germline): Uncertain significance (1 of 4 stars; one submission).

gnomAD v4.1: 13 of 1,611,232 alleles (0.00081%); highest among the groups gnomAD compares: Admixed American, 0.005%; no homozygotes.

Submission:

Labcorp Genetics (formerly Invitae), Labcorp
Classification: Uncertain significance. Last evaluated: 2024-06-13. Review status: criteria provided, single submitter. Criteria: Invitae Variant Classification Sherloc (09022015). Collection method: clinical testing. Allele origin: germline.
Comment: This sequence change replaces aspartic acid, which is acidic and polar, with asparagine, which is neutral and polar, at codon 152 of the CYP51A1 protein (p.Asp152Asn). This variant is present in population databases (rs755026542, gnomAD 0.003%). This variant has not been reported in the literature in individuals affected with CYP51A1-related conditions. An algorithm developed to predict the effect of missense changes on protein structure and function (PolyPhen-2) suggests that this variant is likely to be disruptive. In summary, the available evidence is currently insufficient to determine the role of this variant in disease. Therefore, it has been classified as a Variant of Uncertain Significance.

NM_000786.4(CYP51A1):c.454G>A (p.Asp152Asn)

Gene: CYP51A1 (cytochrome P450 family 51 subfamily A member 1; minus strand). Cytogenetic location: 7q21.2.
Variant type: single nucleotide variant.
Coding change: c.454G>A on transcript NM_000786.4 (MANE Select); coding-DNA position 454, G replaced by A.
Protein change: p.Asp152Asn; replaces aspartic acid 152 with asparagine.
Molecular consequence: missense variant.
Genome position (GRCh38, 1-based): chr7:92,128,894, C>T on the plus strand (G>A on the coding strand, the complement: CYP51A1 is on the minus strand). VCF-style: chr7-92128894-C-T. GRCh37 (hg19) VCF-style: chr7-91758208-C-T.
Other names: c.139G>A, p.Asp47Asn (NM_001146152.2); short protein forms D152N, D47N.
Identifiers: ClinVar variation 3628761 (VCV003628761.2).